The following is an entry in ClinVar:

ClinVar aggregate classification (germline): Uncertain significance (1 of 4 stars; one submission).

Allele frequency attached by ClinVar (database versions not stated): ExAC 0.00002; 1000 Genomes Project 30x 0.00016; 1000 Genomes Project 0.00020.
gnomAD v4.1: 66 of 1,613,200 alleles (0.0041%); highest among the groups gnomAD compares: South Asian, 0.018%; no homozygotes.

Submission:

Labcorp Genetics (formerly Invitae), Labcorp
Classification: Uncertain significance. Last evaluated: 2024-10-21. Review status: criteria provided, single submitter. Criteria: Invitae Variant Classification Sherloc (09022015). Collection method: clinical testing. Allele origin: germline.
Comment: This sequence change replaces alanine, which is neutral and non-polar, with proline, which is neutral and non-polar, at codon 416 of the HPS3 protein (p.Ala416Pro). This variant is present in population databases (rs567188396, gnomAD 0.02%). This variant has not been reported in the literature in individuals affected with HPS3-related conditions. ClinVar contains an entry for this variant (Variation ID: 2201898). An algorithm developed to predict the effect of missense changes on protein structure and function (PolyPhen-2) suggests that this variant is likely to be disruptive. Algorithms developed to predict the effect of sequence changes on RNA splicing suggest that this variant may disrupt the consensus splice site. In summary, the available evidence is currently insufficient to determine the role of this variant in disease. Therefore, it has been classified as a Variant of Uncertain Significance.

NM_032383.5(HPS3):c.1246G>C (p.Ala416Pro)

Gene: HPS3 (HPS3 biogenesis of lysosomal organelles complex 2 subunit 1; plus strand). Cytogenetic location: 3q24.
Variant type: single nucleotide variant.
Coding change: c.1246G>C on transcript NM_032383.5 (MANE Select); coding-DNA position 1246, G replaced by C.
Protein change: p.Ala416Pro; replaces alanine 416 with proline.
Molecular consequence: missense variant.
Genome position (GRCh38, 1-based): chr3:149,153,494, G>C. VCF-style: chr3-149153494-G-C. GRCh37 (hg19) VCF-style: chr3-148871281-G-C.
Other names: c.751G>C, p.Ala251Pro (NM_001308258.2); short protein forms A251P, A416P.
Identifiers: ClinVar variation 2201898 (VCV002201898.2), dbSNP rs567188396, ClinGen allele CA2660058.